The following is an entry in ClinVar:

NM_001374736.1(DST):c.4852T>C (p.Tyr1618His)

Gene: DST (dystonin; minus strand). Cytogenetic location: 6p12.1.
Variant type: single nucleotide variant.
Coding change: c.4852T>C on transcript NM_001374736.1 (MANE Select); coding-DNA position 4852, T replaced by C.
Protein change: p.Tyr1618His; replaces tyrosine 1618 with histidine.
Molecular consequence: missense variant.
Genome position (GRCh38, 1-based): chr6:56,624,607, A>G on the plus strand (T>C on the coding strand, the complement: DST is on the minus strand). VCF-style: chr6-56624607-A-G. GRCh37 (hg19) VCF-style: chr6-56489405-A-G.
Other names: c.4753T>C, p.Tyr1585His (NM_001144769.5); c.4339T>C, p.Tyr1447His (NM_001144770.2); c.4852T>C, p.Tyr1618His (NM_001374722.1); c.4219T>C, p.Tyr1407His (NM_001374729.1, NM_001374730.1, NM_001386100.1 and 1 more transcripts); c.4879T>C, p.Tyr1627His (NM_001374734.1); c.3241T>C, p.Tyr1081His (NM_001723.7, NM_015548.5); short protein forms Y1081H, Y1585H, Y1447H, Y1407H, Y1618H, Y1627H.
Identifiers: ClinVar variation 541448 (VCV000541448.10), dbSNP rs776786063, ClinGen allele CA3870774.

ClinVar aggregate classification (germline): Uncertain significance. Review status: criteria provided, multiple submitters, no conflicts (2 of 4 stars). 2 submissions from 2 submitters: Uncertain significance (2). Last evaluated 2025-12-01.

Conditions:
Inborn genetic diseases. Identifiers: MedGen C0950123, MeSH D030342.
Hereditary sensory and autonomic neuropathy type 6. Also called: HSAN VI; Neuropathy, hereditary sensory and autonomic, type VI. Identifiers: Orphanet 314381, MedGen C3539003, MONDO:0013839, OMIM 614653.
Epidermolysis bullosa simplex 3, localized or generalized intermediate, with BP230 deficiency (EBS3). Also called: Epidermolysis bullosa simplex, autosomal recessive 2; Epidermolysis bullosa simplex due to BP230 deficiency. Identifiers: Orphanet 412181, MedGen C3809470, MONDO:0014180, OMIM 615425.

Allele frequency attached by ClinVar (database versions not stated): gnomAD below 0.00001 and 0.00001; ExAC 0.00007; gnomAD exomes 0.00009.
gnomAD v4.1: 53 of 1,612,874 alleles (0.0033%); highest among the groups gnomAD compares: South Asian, 0.054%; no homozygotes.

Submissions (2):

Labcorp Genetics (formerly Invitae), Labcorp
Classification: Uncertain significance for Epidermolysis bullosa simplex 3, localized or generalized intermediate, with BP230 deficiency; Hereditary sensory and autonomic neuropathy type 6. Last evaluated: 2025-12-01. Review status: criteria provided, single submitter. Criteria: Invitae Variant Classification Sherloc (09022015). Collection method: clinical testing. Allele origin: germline.
Comment: This sequence change replaces tyrosine, which is neutral and polar, with histidine, which is basic and polar, at codon 1081 of the DST protein (p.Tyr1081His). This variant is present in population databases (rs776786063, gnomAD 0.07%). This variant has not been reported in the literature in individuals affected with DST-related conditions. ClinVar contains an entry for this variant (Variation ID: 541448). An algorithm developed to predict the effect of missense changes on protein structure and function (PolyPhen-2) suggests that this variant is likely to be disruptive. In summary, the available evidence is currently insufficient to determine the role of this variant in disease. Therefore, it has been classified as a Variant of Uncertain Significance.

Ambry Genetics
Classification: Uncertain significance for Inborn genetic diseases. Last evaluated: 2020-03-11. Review status: criteria provided, single submitter. Criteria: Ambry Variant Classification Scheme 2023. Collection method: clinical testing. Allele origin: germline.
Comment: The p.Y1585H variant (also known as c.4753T>C), located in coding exon 35 of the DST gene, results from a T to C substitution at nucleotide position 4753. The tyrosine at codon 1585 is replaced by histidine, an amino acid with similar properties. This amino acid position is highly conserved in available vertebrate species. In addition, this alteration is predicted to be deleterious by in silico analysis. Since supporting evidence is limited at this time, the clinical significance of this alteration remains unclear.